The following is an entry in ClinVar:

ClinVar aggregate classification (germline): Uncertain significance (1 of 4 stars; one submission).

Allele frequency attached by ClinVar (database versions not stated): gnomAD exomes below 0.00001; ExAC 0.00001.
gnomAD v4.1: 4 of 1,608,938 alleles (0.00025%); highest among the groups gnomAD compares: Admixed American, 0.0017%; no homozygotes.

Submission:

Labcorp Genetics (formerly Invitae), Labcorp
Classification: Uncertain significance. Last evaluated: 2022-06-13. Review status: criteria provided, single submitter. Criteria: Invitae Variant Classification Sherloc (09022015). Collection method: clinical testing. Allele origin: germline.
Comment: This variant is present in population databases (rs756536532, gnomAD 0.003%). In summary, the available evidence is currently insufficient to determine the role of this variant in disease. Therefore, it has been classified as a Variant of Uncertain Significance. Algorithms developed to predict the effect of missense changes on protein structure and function are either unavailable or do not agree on the potential impact of this missense change (SIFT: "Deleterious"; PolyPhen-2: "Probably Damaging"; Align-GVGD: "Class C0"). This variant has not been reported in the literature in individuals affected with IL12RB2-related conditions. This sequence change replaces lysine, which is basic and polar, with threonine, which is neutral and polar, at codon 854 of the IL12RB2 protein (p.Lys854Thr).

NM_001374259.2(IL12RB2):c.2561A>C (p.Lys854Thr)

Gene: IL12RB2 (interleukin 12 receptor subunit beta 2; plus strand). Cytogenetic location: 1p31.3.
Variant type: single nucleotide variant.
Coding change: c.2561A>C on transcript NM_001374259.2 (MANE Select); coding-DNA position 2561, A replaced by C.
Protein change: p.Lys854Thr; replaces lysine 854 with threonine.
Molecular consequence: missense variant. On other transcripts: 3 prime UTR variant (3), non-coding transcript variant (2).
Genome position (GRCh38, 1-based): chr1:67,396,061, A>C. VCF-style: chr1-67396061-A-C. GRCh37 (hg19) VCF-style: chr1-67861744-A-C.
Other names: c.*481A>C (NM_001258214.1, NM_001319233.1); c.2303A>C, p.Lys768Thr (NM_001258215.1); c.*462A>C (NM_001258216.1); c.2561A>C, p.Lys854Thr (NM_001559.3); short protein forms K768T, K854T.
Identifiers: ClinVar variation 1974759 (VCV001974759.5), dbSNP rs756536532, ClinGen allele CA900739.